The following is an entry in ClinVar:

ClinVar aggregate classification (germline): Conflicting classifications of pathogenicity. Review status: criteria provided, conflicting classifications (1 of 4 stars). 5 submissions from 5 submitters: Likely pathogenic (2); Uncertain significance (2). 1 of the submissions does not count toward it. Last evaluated 2026-02-17.

Conditions:
Osteoporosis with pseudoglioma (OPPG). Also called: osteoporosis-pseudoglioma syndrome. Identifiers: Orphanet 2788, MedGen C0432252, MONDO:0009820, OMIM 259770.

Allele frequency attached by ClinVar (database versions not stated): gnomAD exomes below 0.00001; gnomAD 0.00001; TOPMed 0.00001.
gnomAD v4.1: 6 of 1,614,080 alleles (0.00037%); highest among the groups gnomAD compares: East Asian, 0.0022%; no homozygotes.

Submissions (5):

GeneDx
Classification: Uncertain significance. Last evaluated: 2026-02-17. Review status: criteria provided, single submitter. Criteria: GeneDx Variant Classification Process June 2021. Collection method: clinical testing. Allele origin: germline.
Comment: Identified in a patient with familial exudative vitreoretinopathy, however this individual harbored a variant in another gene that may also have contributed to the phenotype (PMID: 34526760); Not observed at significant frequency in large population cohorts (gnomAD); In silico analysis supports that this missense variant has a deleterious effect on protein structure/function; This variant is associated with the following publications: (PMID: 30452590, 34526760, 36018796)

Labcorp Genetics (formerly Invitae), Labcorp
Classification: Likely pathogenic. Last evaluated: 2026-01-02. Review status: criteria provided, single submitter. Criteria: Invitae Variant Classification Sherloc (09022015). Collection method: clinical testing. Allele origin: germline.
Comment: This sequence change replaces arginine, which is basic and polar, with tryptophan, which is neutral and slightly polar, at codon 494 of the LRP5 protein (p.Arg494Trp). This variant is present in population databases (no rsID available, gnomAD 0.0009%). This missense change has been observed in individual(s) with autosomal dominant familial exudative vitreoretinopathy (PMID: 30452590). ClinVar contains an entry for this variant (Variation ID: 1683590). Invitae Evidence Modeling of protein sequence and biophysical properties (such as structural, functional, and spatial information, amino acid conservation, physicochemical variation, residue mobility, and thermodynamic stability) indicates that this missense variant is expected to disrupt LRP5 protein function with a positive predictive value of 95%. This variant disrupts the p.Arg494 amino acid residue in LRP5. Other variant(s) that disrupt this residue have been determined to be pathogenic (PMID: 11719191, 21528003, 28420620). This suggests that this residue is clinically significant, and that variants that disrupt this residue are likely to be disease-causing. In summary, the currently available evidence indicates that the variant is pathogenic, but additional data are needed to prove that conclusively. Therefore, this variant has been classified as Likely Pathogenic.

Blueprint Genetics
Classification: Uncertain significance. Last evaluated: 2023-01-04. Review status: criteria provided, single submitter. Criteria: ACMG Guidelines, 2015. Collection method: clinical testing. Allele origin: germline.

3billion
Classification: Likely pathogenic for Osteoporosis with pseudoglioma. Review status: criteria provided, single submitter. Criteria: ACMG Guidelines, 2015. Collection method: clinical testing. Allele origin: unknown. Affected: yes. Observed: 1 heterozygote.
Comment: The variant is observed at an extremely low frequency in the gnomAD v2.1.1 dataset (total allele frequency: <0.001%). The variant is located in a mutational hot spot and/or well-established functional domain in which established pathogenic variants have been reported. In silico tool predictions suggest damaging effect of the variant on gene or gene product (REVEL: 0.86; 3Cnet: 1.00). Same nucleotide change resulting in same amino acid change has been previously reported to be associated with LRP5 -related disorder (PMID: 30452590). A different missense change at the same codon (p.Arg494Gln) has been reported as pathogenic/likely pathogenic with strong evidence (ClinVar ID: VCV000006274 / PMID: 11719191). Therefore, this variant is classified as Likely pathogenic according to the recommendation of ACMG/AMP guideline.

Laboratorio de Genetica e Diagnostico Molecular, Hospital Israelita Albert Einstein
Classification: Uncertain significance for Osteoporosis with pseudoglioma. Last evaluated: 2021-11-09. Review status: flagged submission. Criteria: ACMG Guidelines, 2015. Collection method: clinical testing. Allele origin: germline. Affected: yes. Not counted in ClinVar's aggregate classification.
Comment: ACMG classification criteria: PM2 moderate, PP3 supporting
ClinVar note: Reason: Claim with insufficient supporting evidence

Literature cited by the submitters: PubMed 30452590 (cited by Labcorp Genetics (formerly Invitae), Labcorp and 3billion); PubMed 11719191 (cited by Labcorp Genetics (formerly Invitae), Labcorp and 3billion); PubMed 21528003 (cited by Labcorp Genetics (formerly Invitae), Labcorp); PubMed 28420620 (cited by Labcorp Genetics (formerly Invitae), Labcorp).

NM_002335.4(LRP5):c.1480C>T (p.Arg494Trp)

Gene: LRP5 (LDL receptor related protein 5; plus strand). Cytogenetic location: 11q13.2.
Variant type: single nucleotide variant.
Coding change: c.1480C>T on transcript NM_002335.4 (MANE Select); coding-DNA position 1480, C replaced by T.
Protein change: p.Arg494Trp; replaces arginine 494 with tryptophan.
Molecular consequence: missense variant. On other transcripts: intron variant (1).
Genome position (GRCh38, 1-based): chr11:68,389,948, C>T. VCF-style: chr11-68389948-C-T. GRCh37 (hg19) VCF-style: chr11-68157416-C-T.
Other names: c.-354+3236C>T (NM_001291902.2); c.1480C>T (NM_002335.2); short protein forms R494W.
Identifiers: ClinVar variation 1683590 (VCV001683590.10), dbSNP rs1270099780, ClinGen allele CA381613062.